The following is an entry in ClinVar:

ClinVar aggregate classification (germline): Uncertain significance (1 of 4 stars; one submission).

Conditions:
CCDC141-related disorder. Also called: CCDC141-related condition.

gnomAD v4.1: 2 of 1,550,620 alleles (0.00013%); highest among the groups gnomAD compares: South Asian, 0.0024%; no homozygotes.

Submission:

PreventionGenetics, part of Exact Sciences
Classification: Uncertain significance for CCDC141-related condition. Last evaluated: 2023-06-21. Review status: criteria provided, single submitter. Criteria: ACMG Guidelines, 2015. Collection method: clinical testing. Allele origin: germline.
Comment: The CCDC141 c.41C>A variant is predicted to result in the amino acid substitution p.Thr14Lys. To our knowledge, this variant has not been reported in the literature or in a large population database, indicating this variant is rare. At this time, the clinical significance of this variant is uncertain due to the absence of conclusive functional and genetic evidence.

NM_173648.4(CCDC141):c.41C>A (p.Thr14Lys)

Genes: CCDC141 (coiled-coil domain containing 141; minus strand), LOC129935191 (ATAC-STARR-seq lymphoblastoid active region 16816; plus strand). Cytogenetic location: 2q31.2.
Variant type: single nucleotide variant.
Coding change: c.41C>A on transcript NM_173648.4 (MANE Select); coding-DNA position 41, C replaced by A.
Protein change: p.Thr14Lys; replaces threonine 14 with lysine.
Molecular consequence: missense variant.
Genome position (GRCh38, 1-based): chr2:179,049,901, G>T on the plus strand (C>A on the coding strand, the complement: CCDC141 is on the minus strand). VCF-style: chr2-179049901-G-T. GRCh37 (hg19) VCF-style: chr2-179914628-G-T.
Other names: c.41C>A, p.Thr14Lys (NM_001316745.2); short protein forms T14K.
Identifiers: ClinVar variation 2632267 (VCV002632267.1), dbSNP rs763465534, ClinGen allele CA349446937.